The following is an entry in ClinVar:

NM_024685.4(BBS10):c.1768del (p.Leu590fs)

Gene: BBS10 (Bardet-Biedl syndrome 10; minus strand). Cytogenetic location: 12q21.2.
Variant type: Deletion.
Coding change: c.1768del on transcript NM_024685.4 (MANE Select); coding-DNA position 1768, one base deleted (C; older notation c.1768delC).
Protein change: p.Leu590fs; shifts the reading frame from leucine 590.
Molecular consequence: frameshift variant.
Genome position (GRCh38, 1-based): chr12:76,346,217, G deleted on the plus strand (C on the coding strand, the reverse complement: BBS10 is on the minus strand); the first of 2 consecutive G bases (chr12:76,346,217-76,346,218); deleting either gives the same sequence. VCF-style (leftmost placement, unchanged base first): chr12-76346216-AG-A. GRCh37 (hg19) VCF-style: chr12-76739996-AG-A.
Other names: short protein forms L590fs.
Identifiers: ClinVar variation 4063684 (VCV004063684.2).
Genomic context (GRCh38, chr12:76,346,216, plus strand): 5'-AACAAGATCTCAAAATTACCACCTACTGGCAAAACACAACCAGCTGGCATAGATGAGGAA[AG>A]GTAACTCTGGGAAGTACCCATATTCGGTAACTTACAGCTCACTGGTAACATGCTTCCCTT-3'

ClinVar aggregate classification (germline): Likely pathogenic (1 of 4 stars; one submission).

Conditions:
Bardet-Biedl syndrome 10 (BBS10). Identifiers: Orphanet 110, MedGen C1859568, MONDO:0014438, OMIM 615987.

Submission:

Natera, Inc.
Classification: Likely pathogenic for Bardet-Biedl syndrome type 10. Last evaluated: 2025-04-11. Review status: criteria provided, single submitter. Criteria: Natera Variant Classification Schema (03/2026). Collection method: clinical testing. Allele origin: germline.
Comment: The c.1768del variant in BBS10 is a frameshift variant predicted to shift the reading frame beginning at codon 590 and leads to a stop codon 13 codons downstream. This variant is expected to result in nonsense mediated decay, truncation, or a dysfunctional protein product. This variant is rare in the general population with a frequency below the threshold expected for the associated phenotype(s). Given the available evidence, this variant is classified as Likely Pathogenic.